The following is an entry in ClinVar:

NM_004565.3(PEX14):c.19G>A (p.Ala7Thr)

Gene: PEX14 (peroxisomal biogenesis factor 14; plus strand). Cytogenetic location: 1p36.22.
Variant type: single nucleotide variant.
Coding change: c.19G>A on transcript NM_004565.3 (MANE Select); coding-DNA position 19, G replaced by A.
Protein change: p.Ala7Thr; replaces alanine 7 with threonine.
Molecular consequence: missense variant.
Genome position (GRCh38, 1-based): chr1:10,474,985, G>A. VCF-style: chr1-10474985-G-A. GRCh37 (hg19) VCF-style: chr1-10535042-G-A.
Other names: short protein forms A7T.
Identifiers: ClinVar variation 2092714 (VCV002092714.4), dbSNP rs1410701421, ClinGen allele CA338357147.

ClinVar aggregate classification (germline): Uncertain significance (1 of 4 stars; one submission).

Conditions:
Peroxisome biogenesis disorder, complementation group K (CGK). Identifiers: MedGen C1866257, MONDO:0800365.

Allele frequency attached by ClinVar (database versions not stated): gnomAD 0.00001; TOPMed 0.00001.

Submission:

Labcorp Genetics (formerly Invitae), Labcorp
Classification: Uncertain significance for Peroxisome biogenesis disorder, complementation group K. Last evaluated: 2024-11-11. Review status: criteria provided, single submitter. Criteria: Invitae Variant Classification Sherloc (09022015). Collection method: clinical testing. Allele origin: germline.
Comment: This sequence change replaces alanine, which is neutral and non-polar, with threonine, which is neutral and polar, at codon 7 of the PEX14 protein (p.Ala7Thr). This variant is present in population databases (no rsID available, gnomAD 0.0008%). This variant has not been reported in the literature in individuals affected with PEX14-related conditions. ClinVar contains an entry for this variant (Variation ID: 2092714). Experimental studies and prediction algorithms are not available or were not evaluated, and the functional significance of this variant is currently unknown. In summary, the available evidence is currently insufficient to determine the role of this variant in disease. Therefore, it has been classified as a Variant of Uncertain Significance.